The following is an entry in ClinVar:

NM_002693.3(POLG):c.659+91G>T

Genes: POLG (DNA polymerase gamma, catalytic subunit; minus strand), POLGARF (POLG alternative reading frame; minus strand). Cytogenetic location: 15q26.1.
Variant type: single nucleotide variant.
Coding change: c.659+91G>T on transcript NM_002693.3 (MANE Select); 91 bases into the intron after coding-DNA position 659, G replaced by T.
Molecular consequence: intron variant.
Genome position (GRCh38, 1-based): chr15:89,333,005, C>A on the plus strand (G>T on the coding strand, the complement: POLG is on the minus strand). VCF-style: chr15-89333005-C-A. GRCh37 (hg19) VCF-style: chr15-89876236-C-A.
Other names: c.659+91G>T (NM_001126131.2).
Identifiers: ClinVar variation 1183818 (VCV001183818.5), dbSNP rs2283430, ClinGen allele CA14089292.

ClinVar aggregate classification (germline): Benign. Review status: criteria provided, multiple submitters, no conflicts (2 of 4 stars). 3 submissions from 3 submitters: Benign (3). Last evaluated 2024-07-31.

Allele frequency attached by ClinVar (database versions not stated): 1000 Genomes Project 0.45288; 1000 Genomes Project 30x 0.45815; TOPMed 0.47589.
gnomAD v4.1: 600,088 of 1,471,386 alleles (41%); highest among the groups gnomAD compares: African/African-American, 65%; 125,614 homozygotes.

Submissions (3):

Unidad de Genómica Garrahan, Hospital de Pediatría Garrahan
Classification: Benign. Last evaluated: 2024-07-31. Review status: criteria provided, single submitter. Criteria: ACMG Guidelines, 2015. Collection method: clinical testing. Allele origin: germline. Affected: no. Observed: 47 variant alleles.
Comment: This variant is classified as Benign based on local population frequency. This variant was detected in 51% of patients studied in a panel designed for Epileptic and Developmental Encephalopathy, Progressive Myoclonus Epilepsy and Abnormal Movements and Neurodegeneration with brain iron accumulation. Number of patients: 47. Only high quality variants are reported.

GeneDx
Classification: Benign. Last evaluated: 2018-06-23. Review status: criteria provided, single submitter. Criteria: GeneDx Variant Classification Process June 2021. Collection method: clinical testing. Allele origin: germline. Affected: yes.

Breakthrough Genomics
Classification: Benign. Review status: criteria provided, single submitter. Criteria: ACMG Guidelines, 2015. Collection method: not provided. Allele origin: germline. Inheritance: Autosomal recessive inheritance. Affected: yes.